The following is an entry in ClinVar:

NM_022132.5(MCCC2):c.1010G>C (p.Arg337Thr)

Gene: MCCC2 (methylcrotonyl-CoA carboxylase subunit 2; plus strand). Cytogenetic location: 5q13.2.
Variant type: single nucleotide variant.
Coding change: c.1010G>C on transcript NM_022132.5 (MANE Select); coding-DNA position 1010, G replaced by C.
Protein change: p.Arg337Thr; replaces arginine 337 with threonine.
Molecular consequence: missense variant.
Genome position (GRCh38, 1-based): chr5:71,641,013, G>C. VCF-style: chr5-71641013-G-C. GRCh37 (hg19) VCF-style: chr5-70936840-G-C.
Other names: c.896G>C, p.Arg299Thr (NM_001363147.1); short protein forms R299T, R337T.
Identifiers: ClinVar variation 835916 (VCV000835916.10), dbSNP rs980603424, ClinGen allele CA119997359.

ClinVar aggregate classification (germline): Uncertain significance. Review status: criteria provided, single submitter (1 of 4 stars). 2 submissions from 2 submitters: Uncertain significance (1). 1 of the submissions does not count toward it. Last evaluated 2019-12-11.

Conditions:
3-methylcrotonyl-CoA carboxylase 2 deficiency. Also called: METHYLCROTONYLGLYCINURIA, TYPE II; 3 alpha methylcrotonyl-CoA carboxylase 2 deficiency; 3 alpha methylcrotonylglycinuria 2; MCC 2 deficiency; Methylcrotonylglycinuria type 2. Identifiers: Orphanet 6, MedGen C1859499, MONDO:0008862, OMIM 210210.

Allele frequency attached by ClinVar (database versions not stated): TOPMed 0.00001; gnomAD exomes 0.00003.
gnomAD v4.1: 36 of 1,614,014 alleles (0.0022%); highest among the groups gnomAD compares: Non-Finnish European, 0.0031%; no homozygotes.

Submissions (2):

Labcorp Genetics (formerly Invitae), Labcorp
Classification: Uncertain significance for 3-methylcrotonyl-CoA carboxylase 2 deficiency. Last evaluated: 2019-12-11. Review status: criteria provided, single submitter. Criteria: Invitae Variant Classification Sherloc (09022015). Collection method: clinical testing. Allele origin: germline.
Comment: This variant is not present in population databases (ExAC no frequency). This sequence change replaces arginine with threonine at codon 337 of the MCCC2 protein (p.Arg337Thr). The arginine residue is highly conserved and there is a moderate physicochemical difference between arginine and threonine. In summary, the available evidence is currently insufficient to determine the role of this variant in disease. Therefore, it has been classified as a Variant of Uncertain Significance. Algorithms developed to predict the effect of missense changes on protein structure and function (SIFT, PolyPhen-2, Align-GVGD) all suggest that this variant is likely to be disruptive, but these predictions have not been confirmed by published functional studies and their clinical significance is uncertain. This variant has been observed in individual(s) with 3 methylcrotonyl-CoA carboxylase deficiency (Invitae). In at least one individual the data is consistent with the variant being in trans (on the opposite chromosome) from a pathogenic variant.

Natera, Inc.
Classification: Uncertain significance for 3-methylcrotonyl-CoA carboxylase 2 deficiency. Last evaluated: 2025-04-15. Review status: no assertion criteria provided. Collection method: clinical testing. Allele origin: germline. Not counted in ClinVar's aggregate classification.